The following is an entry in ClinVar:

ClinVar aggregate classification (germline): Pathogenic (1 of 4 stars; one submission).

Conditions:
Peutz-Jeghers syndrome (PJS). Also called: POLYPOSIS, HAMARTOMATOUS INTESTINAL; POLYPS-AND-SPOTS SYNDROME; Peutz-Jeghers polyposis; Periorificial lentiginosis syndrome. Identifiers: Orphanet 2869, MedGen C0031269, MeSH D010580, MONDO:0008280, OMIM 175200.

Submission:

Labcorp Genetics (formerly Invitae), Labcorp
Classification: Pathogenic for Peutz-Jeghers syndrome. Last evaluated: 2018-05-21. Review status: criteria provided, single submitter. Criteria: Invitae Variant Classification Sherloc (09022015). Collection method: clinical testing. Allele origin: germline.
Comment: This sequence change creates a premature translational stop signal (p.Tyr36Profs*126) in the STK11 gene. It is expected to result in an absent or disrupted protein product. For these reasons, this variant has been classified as Pathogenic. Loss-of-function variants in STK11 are known to be pathogenic (PMID: 15188174, 16287113). This variant has not been reported in the literature in individuals with STK11-related disease. This variant is not present in population databases (ExAC no frequency).

Literature cited by the submitters: PubMed 15188174; PubMed 16287113.

NM_000455.5(STK11):c.105_106del (p.Tyr36fs)

Gene: STK11 (serine/threonine kinase 11; plus strand). Cytogenetic location: 19p13.3.
Variant type: Deletion.
Coding change: c.105_106del on transcript NM_000455.5 (MANE Select); coding-DNA positions 105 to 106, 2 bases deleted (CT; older notation c.105_106delCT).
Protein change: p.Tyr36fs; shifts the reading frame from tyrosine 36.
Molecular consequence: frameshift variant.
Genome position (GRCh38, 1-based): chr19:1,207,018-1,207,019, CT deleted; deleting any 2 consecutive bases within chr19:1,207,017-1,207,019 gives the same sequence; the c. name uses the placement nearest the transcript's 3' end. VCF-style (leftmost placement, unchanged base first): chr19-1207016-ATC-A. GRCh37 (hg19) VCF-style: chr19-1207015-ATC-A.
Other names: c.105_106delCT (NM_000455.4); short protein forms Y36fs.
Identifiers: ClinVar variation 583088 (VCV000583088.6), dbSNP rs1568689994, ClinGen allele CA891843674.